The following is an entry in ClinVar:

ClinVar aggregate classification (germline): Pathogenic (1 of 4 stars; one submission).

Conditions:
Developmental and epileptic encephalopathy. Identifiers: MedGen C5779964, MONDO:0100620.

Submission:

Labcorp Genetics (formerly Invitae), Labcorp
Classification: Pathogenic for Early-infantile DEE. Last evaluated: 2023-02-13. Review status: criteria provided, single submitter. Criteria: Invitae Variant Classification Sherloc (09022015). Collection method: clinical testing. Allele origin: unknown.
Comment: For these reasons, this variant has been classified as Pathogenic. This variant disrupts a region of the KCNQ2 protein in which other variant(s) (p.Lys829Serfs*35) have been determined to be pathogenic (Invitae). This suggests that this is a clinically significant region of the protein, and that variants that disrupt it are likely to be disease-causing. A similar copy number variant has been observed in individual(s) with benign familial neonatal-infantile seizures (PMID: 9425895). It has also been observed to segregate with disease in related individuals. This variant is a gross deletion of the genomic region encompassing exon(s) 9-17 of the KCNQ2 gene, which includes the termination codon. This deletion extends beyond the assayed region for this gene and therefore may encompass additional genes. While this deletion is not anticipated to lead to nonsense mediated decay, it is expected to alter mRNA translation or result in a truncated protein product.

Literature cited by the submitters: PubMed 9425895.

NC_000020.10:g.(?_61978090)_(62062742_?)del

Genes: CHRNA4 (cholinergic receptor nicotinic alpha 4 subunit; minus strand), KCNQ2 (potassium voltage-gated channel subfamily Q member 2; minus strand). Cytogenetic location: 20q13.33.
Variant type: Deletion.
Identifiers: ClinVar variation 3248244 (VCV003248244.1).